The following is an entry in ClinVar:

NM_014324.6(AMACR):c.275del (p.Pro92fs)

Genes: C1QTNF3-AMACR (C1QTNF3-AMACR readthrough (NMD candidate); minus strand), AMACR (alpha-methylacyl-CoA racemase; minus strand). Cytogenetic location: 5p13.2.
Variant type: Deletion.
Coding change: c.275del on transcript NM_014324.6 (MANE Select); coding-DNA position 275, one base deleted (C; older notation c.275delC).
Protein change: p.Pro92fs; shifts the reading frame from proline 92.
Molecular consequence: frameshift variant. On other transcripts: non-coding transcript variant (1).
Genome position (GRCh38, 1-based): chr5:34,005,872, G deleted on the plus strand (C on the coding strand, the reverse complement: AMACR is on the minus strand); the first of 3 consecutive G bases (chr5:34,005,872-34,005,874); deleting any one gives the same sequence. VCF-style (leftmost placement, unchanged base first): chr5-34005871-TG-T. GRCh37 (hg19) VCF-style: chr5-34005976-TG-T.
Other names: c.275del, p.Pro92fs (NM_001167595.2, NM_203382.3); short protein forms P92fs.
Identifiers: ClinVar variation 2047143 (VCV002047143.4), dbSNP rs2479023833, ClinGen allele CA2580073174.

ClinVar aggregate classification (germline): Uncertain significance (1 of 4 stars; one submission).

Conditions:
Alpha-methylacyl-CoA racemase deficiency (AMACRD). Also called: AMACR deficiency. Identifiers: Orphanet 79095, MedGen C3280428, MONDO:0013681, OMIM 614307. Disease mechanism: loss of function.

Submission:

Labcorp Genetics (formerly Invitae), Labcorp
Classification: Uncertain significance for Alpha-methylacyl-CoA racemase deficiency. Last evaluated: 2021-12-18. Review status: criteria provided, single submitter. Criteria: Invitae Variant Classification Sherloc (09022015). Collection method: clinical testing. Allele origin: germline.
Comment: In summary, the available evidence is currently insufficient to determine the role of this variant in disease. Therefore, it has been classified as a Variant of Uncertain Significance. This variant has not been reported in the literature in individuals affected with AMACR-related conditions. This variant is not present in population databases (gnomAD no frequency). This sequence change creates a premature translational stop signal (p.Pro92Glnfs*16) in the AMACR gene. It is expected to result in an absent or disrupted protein product. However, the current clinical and genetic evidence is not sufficient to establish whether loss-of-function variants in AMACR cause disease.